The following is an entry in ClinVar:

ClinVar aggregate classification (germline): Uncertain significance (1 of 4 stars; one submission).

Conditions:
Tuberous sclerosis syndrome (TSC). Also called: Tuberous sclerosis; Tuberous Sclerosis Complex. Identifiers: Orphanet 805, MedGen C0041341, MONDO:0001734.

Submission:

All of Us Research Program, National Institutes of Health
Classification: Uncertain significance for Tuberous sclerosis syndrome. Last evaluated: 2023-03-28. Review status: criteria provided, single submitter. Criteria: ACMG Guidelines, 2015. Collection method: clinical testing. Allele origin: germline. Inheritance: Autosomal dominant inheritance. Observed: 1 variant allele, 1 heterozygote.
Comment: This study involves interpretation of variants in research participants for the purpose of population health screening. Participant phenotype was not available at the time of variant classification. Additional details can be found in publication PMID: 35346344, PMCID: PMC8962531

NM_000548.5(TSC2):c.5387_5388insTCATCTCCTCGGTGGAGGACT (p.Leu1796_Ile1797insHisLeuLeuGlyGlyGlyLeu)

Gene: TSC2 (TSC complex subunit 2; plus strand). Cytogenetic location: 16p13.3.
Variant type: Insertion.
Coding change: c.5387_5388insTCATCTCCTCGGTGGAGGACT on transcript NM_000548.5 (MANE Select); coding-DNA positions 5387 to 5388, TCATCTCCTCGGTGGAGGACT inserted.
Protein change: p.Leu1796_Ile1797insHisLeuLeuGlyGlyGlyLeu.
Molecular consequence: inframe insertion. On other transcripts: non-coding transcript variant (5).
Genome position: GRCh38 VCF-style: chr16-2088571-C-CCTTCATCTCCTCGGTGGAGGA. GRCh37 (hg19) VCF-style: chr16-2138572-C-CCTTCATCTCCTCGGTGGAGGA.
Other names: c.5186_5187insTCATCTCCTCGGTGGAGGACT, p.Leu1729_Ile1730insHisLeuLeuGlyGlyGlyLeu (NM_001077183.3); c.5318_5319insTCATCTCCTCGGTGGAGGACT, p.Leu1773_Ile1774insHisLeuLeuGlyGlyGlyLeu (NM_001114382.3); c.5078_5079insTCATCTCCTCGGTGGAGGACT, p.Leu1693_Ile1694insHisLeuLeuGlyGlyGlyLeu (NM_001318827.2); c.5042_5043insTCATCTCCTCGGTGGAGGACT, p.Leu1681_Ile1682insHisLeuLeuGlyGlyGlyLeu (NM_001318829.2); c.4655_4656insTCATCTCCTCGGTGGAGGACT, p.Leu1552_Ile1553insHisLeuLeuGlyGlyGlyLeu (NM_001318831.2); c.5219_5220insTCATCTCCTCGGTGGAGGACT, p.Leu1740_Ile1741insHisLeuLeuGlyGlyGlyLeu (NM_001318832.2); c.5189_5190insTCATCTCCTCGGTGGAGGACT, p.Leu1730_Ile1731insHisLeuLeuGlyGlyGlyLeu (NM_001363528.2); c.5255_5256insTCATCTCCTCGGTGGAGGACT, p.Leu1752_Ile1753insHisLeuLeuGlyGlyGlyLeu (NM_001370404.1); and 27 more.
Identifiers: ClinVar variation 3069892 (VCV003069892.1), dbSNP rs2544519081, ClinGen allele CA2825002357.